The following is an entry in ClinVar:

NM_000543.5(SMPD1):c.1395T>A (p.Phe465Leu)

Gene: SMPD1 (sphingomyelin phosphodiesterase 1; plus strand). Cytogenetic location: 11p15.4.
Variant type: single nucleotide variant.
Coding change: c.1395T>A on transcript NM_000543.5 (MANE Select); coding-DNA position 1395, T replaced by A.
Protein change: p.Phe465Leu; replaces phenylalanine 465 with leucine.
Molecular consequence: missense variant. On other transcripts: non-coding transcript variant (2).
Genome position (GRCh38, 1-based): chr11:6,393,950, T>A. VCF-style: chr11-6393950-T-A. GRCh37 (hg19) VCF-style: chr11-6415180-T-A.
Other names: c.1392T>A, p.Phe464Leu (NM_001007593.3); c.1395T>A, p.Phe465Leu (NM_001318087.2); c.474T>A, p.Phe158Leu (NM_001318088.2); c.1263T>A, p.Phe421Leu (NM_001365135.2); short protein forms F158L, F421L, F464L, F465L.
Identifiers: ClinVar variation 4814348 (VCV004814348.1).

ClinVar aggregate classification (germline): Likely pathogenic (1 of 4 stars; one submission).

Conditions:
Niemann-Pick disease, type A. Also called: SPHINGOMYELIN LIPIDOSIS; SPHINGOMYELINASE DEFICIENCY; Infantile Neurovisceral ASMD (Niemann-Pick Disease Type A; NPD-A). Identifiers: Orphanet 77292, MedGen C0268242, MONDO:0009756, OMIM 257200. Disease mechanism: loss of function.

Submission:

Natera, Inc.
Classification: Likely pathogenic for Niemann-Pick Disease, Types A/B. Last evaluated: 2024-11-15. Review status: criteria provided, single submitter. Criteria: Natera Variant Classification Schema (03/2026). Collection method: clinical testing. Allele origin: germline.
Comment: The c.1395T>A variant in SMPD1 is a missense variant predicted to cause substitution of phenylalanine to leucine at amino acid 465. This variant is rare in the general population with a frequency below the threshold expected for the associated phenotype(s). Another variant at this same site results in an alteration predicted to cause a similar molecular effect has been observed in individual(s) with the associated phenotype. A different variant at the same position has been determined to be Pathogenic or Likely Pathogenic. Computational prediction algorithms indicate this variant is likely to affect gene or protein function. Given the available evidence, this variant is classified as Likely Pathogenic.